The following is an entry in ClinVar:

NM_001165963.4(SCN1A):c.1919A>G (p.Lys640Arg)

Gene: SCN1A (sodium voltage-gated channel alpha subunit 1; minus strand). Cytogenetic location: 2q24.3.
Variant type: single nucleotide variant.
Coding change: c.1919A>G on transcript NM_001165963.4 (MANE Select); coding-DNA position 1919, A replaced by G.
Protein change: p.Lys640Arg; replaces lysine 640 with arginine.
Molecular consequence: missense variant. On other transcripts: 5 prime UTR variant (1), non-coding transcript variant (1).
Genome position (GRCh38, 1-based): chr2:166,043,793, T>C on the plus strand (A>G on the coding strand, the complement: SCN1A is on the minus strand). VCF-style: chr2-166043793-T-C. GRCh37 (hg19) VCF-style: chr2-166900303-T-C.
Other names: c.1919A>G, p.Lys640Arg (NM_001165964.3, NM_001202435.3, NM_001353948.2 and 7 more transcripts); c.1916A>G, p.Lys639Arg (NM_001353954.2, NM_001353955.2, NM_001353960.2); c.-507A>G (NM_001353961.2); short protein forms K639R, K640R.
Identifiers: ClinVar variation 4774511 (VCV004774511.1).

ClinVar aggregate classification (germline): Uncertain significance (1 of 4 stars; one submission).

Conditions:
Early-infantile DEE. Also called: Ohtahara syndrome; Early infantile epileptic encephalopathy with suppression bursts; Early infantile epileptic encephalopathy. Identifiers: Orphanet 1934, MedGen C0393706, MONDO:0800491.

Submission:

Labcorp Genetics (formerly Invitae), Labcorp
Classification: Uncertain significance for Early-infantile DEE. Last evaluated: 2025-09-01. Review status: criteria provided, single submitter. Criteria: Invitae Variant Classification Sherloc (09022015). Collection method: clinical testing. Allele origin: germline.
Comment: This sequence change replaces lysine, which is basic and polar, with arginine, which is basic and polar, at codon 640 of the SCN1A protein (p.Lys640Arg). This variant is not present in population databases (gnomAD no frequency). This variant has not been reported in the literature in individuals affected with SCN1A-related conditions. Invitae Evidence Modeling of protein sequence and biophysical properties (such as structural, functional, and spatial information, amino acid conservation, physicochemical variation, residue mobility, and thermodynamic stability) indicates that this missense variant is not expected to disrupt SCN1A protein function with a negative predictive value of 95%. In summary, the available evidence is currently insufficient to determine the role of this variant in disease. Therefore, it has been classified as a Variant of Uncertain Significance.